The following is an entry in ClinVar:

NM_006280.3(SSR4):c.478A>G (p.Ile160Val)

Gene: SSR4 (signal sequence receptor subunit 4; plus strand). Cytogenetic location: Xq28.
Variant type: single nucleotide variant.
Coding change: c.478A>G on transcript NM_006280.3 (MANE Select); coding-DNA position 478, A replaced by G.
Protein change: p.Ile160Val; replaces isoleucine 160 with valine.
Molecular consequence: missense variant.
Genome position (GRCh38, 1-based): chrX:153,798,389, A>G. VCF-style: chrX-153798389-A-G. GRCh37 (hg19) VCF-style: chrX-153063844-A-G.
Other names: c.511A>G, p.Ile171Val (NM_001204526.2); c.502A>G, p.Ile168Val (NM_001204527.2); short protein forms I160V, I168V, I171V.
Identifiers: ClinVar variation 2630076 (VCV002630076.1), dbSNP rs2520538783, ClinGen allele CA415187350.

ClinVar aggregate classification (germline): Uncertain significance (1 of 4 stars; one submission).

Conditions:
SSR4-related disorder. Also called: SSR4-related condition.

Allele frequency attached by ClinVar (database versions not stated): gnomAD exomes below 0.00001.
gnomAD v4.1: 1 of 1,202,691 alleles (0.000083%); highest among the groups gnomAD compares: Non-Finnish European, 0.00011%; no homozygotes.

Submission:

PreventionGenetics, part of Exact Sciences
Classification: Uncertain significance for SSR4-related condition. Last evaluated: 2023-01-17. Review status: criteria provided, single submitter. Criteria: ACMG Guidelines, 2015. Collection method: clinical testing. Allele origin: germline.
Comment: The SSR4 c.511A>G variant is predicted to result in the amino acid substitution p.Ile171Val. To our knowledge, this variant has not been reported in the literature or in a large population database, indicating this variant is rare. At this time, the clinical significance of this variant is uncertain due to the absence of conclusive functional and genetic evidence.